The following is an entry in ClinVar:

NM_000400.4(ERCC2):c.781G>C (p.Gly261Arg)

Gene: ERCC2 (ERCC excision repair 2, TFIIH core complex helicase subunit; minus strand). Cytogenetic location: 19q13.32.
Variant type: single nucleotide variant.
Coding change: c.781G>C on transcript NM_000400.4 (MANE Select); coding-DNA position 781, G replaced by C.
Protein change: p.Gly261Arg; replaces glycine 261 with arginine.
Molecular consequence: missense variant.
Genome position (GRCh38, 1-based): chr19:45,364,269, C>G on the plus strand (G>C on the coding strand, the complement: ERCC2 is on the minus strand). VCF-style: chr19-45364269-C-G. GRCh37 (hg19) VCF-style: chr19-45867527-C-G.
Other names: c.709G>C, p.Gly237Arg (NM_001130867.2); short protein forms G261R, G237R.
Identifiers: ClinVar variation 3276292 (VCV003276292.1).

ClinVar aggregate classification (germline): Uncertain significance (1 of 4 stars; one submission).

Conditions:
Inborn genetic diseases. Identifiers: MedGen C0950123, MeSH D030342.

Submission:

Ambry Genetics
Classification: Uncertain significance for Inborn genetic diseases. Last evaluated: 2024-06-22. Review status: criteria provided, single submitter. Criteria: Ambry Variant Classification Scheme 2023. Collection method: clinical testing. Allele origin: germline.
Comment: The p.G261R variant (also known as c.781G>C), located in coding exon 9 of the ERCC2 gene, results from a G to C substitution at nucleotide position 781. The glycine at codon 261 is replaced by arginine, an amino acid with dissimilar properties. This amino acid position is conserved. In addition, this alteration is predicted to be tolerated by in silico analysis. Based on the available evidence, the clinical significance of this variant remains unclear.